The following is an entry in ClinVar:

ClinVar aggregate classification (germline): Pathogenic (1 of 4 stars; one submission).

Conditions:
Diastrophic dysplasia (DTD). Also called: Diastrophic dwarfism. Identifiers: Orphanet 628, MedGen C0220726, MONDO:0009107, OMIM 222600.
Multiple epiphyseal dysplasia type 4 (EDM4). Also called: Multiple Epiphyseal Dysplasia, Recessive; MULTIPLE EPIPHYSEAL DYSPLASIA WITH BILAYERED PATELLAE; MULTIPLE EPIPHYSEAL DYSPLASIA WITH CLUBFOOT; MULTIPLE EPIPHYSEAL DYSPLASIA, AUTOSOMAL RECESSIVE; SLC26A2-Related Multiple Epiphyseal Dysplasia. Identifiers: Orphanet 93307, MedGen C1847593, MONDO:0009189, OMIM 226900.
Achondrogenesis, type IB (ACG1B). Also called: Achondrogenesis Type 1B. Identifiers: Orphanet 932, Orphanet 93298, MedGen C0265274, MONDO:0010966, OMIM 600972.
Atelosteogenesis type II (AO2). Also called: NEONATAL OSSEOUS DYSPLASIA I; Neonatal osseous dysplasia 1; SLC26A2-Related Atelosteogenesis. Identifiers: Orphanet 56304, MedGen C1850554, MONDO:0009727, OMIM 256050.

Submission:

Labcorp Genetics (formerly Invitae), Labcorp
Classification: Pathogenic for Atelosteogenesis type II; Multiple epiphyseal dysplasia type 4; Achondrogenesis, type IB; Diastrophic dysplasia. Last evaluated: 2024-06-16. Review status: criteria provided, single submitter. Criteria: Invitae Variant Classification Sherloc (09022015). Collection method: clinical testing. Allele origin: germline.
Comment: This sequence change creates a premature translational stop signal (p.Val293Metfs*50) in the SLC26A2 gene. While this is not anticipated to result in nonsense mediated decay, it is expected to disrupt the last 447 amino acid(s) of the SLC26A2 protein. This variant is not present in population databases (gnomAD no frequency). This variant has not been reported in the literature in individuals affected with SLC26A2-related conditions. This variant disrupts a region of the SLC26A2 protein in which other variant(s) (p.Ala715Val) have been determined to be pathogenic (PMID: 11448940, 15294877, 21077204). This suggests that this is a clinically significant region of the protein, and that variants that disrupt it are likely to be disease-causing. For these reasons, this variant has been classified as Pathogenic.

Literature cited by the submitters: PubMed 11448940; PubMed 15294877; PubMed 21077204.

NM_000112.4(SLC26A2):c.874_875dup (p.Val293fs)

Gene: SLC26A2 (solute carrier family 26 member 2; plus strand). Cytogenetic location: 5q32.
Variant type: Duplication.
Coding change: c.874_875dup on transcript NM_000112.4 (MANE Select); coding-DNA positions 874 to 875, 2 bases duplicated (CA; older notation c.874_875dupCA).
Protein change: p.Val293fs; shifts the reading frame from valine 293.
Molecular consequence: frameshift variant.
Genome position (GRCh38, 1-based): chr5:149,980,467-149,980,468, CA duplicated; duplicating any 2 consecutive bases within chr5:149,980,466-149,980,468 gives the same sequence; the c. name uses the placement nearest the transcript's 3' end. VCF-style (leftmost placement, unchanged base first): chr5-149980465-T-TAC. GRCh37 (hg19) VCF-style: chr5-149360028-T-TAC.
Other names: short protein forms V293fs.
Identifiers: ClinVar variation 3756843 (VCV003756843.2).
Genomic context (GRCh38, chr5:149,980,465, plus strand): 5'-ATCTTCTTGGGCTCAACCTTCCTCGGACTAATGGTGTGGGCTCACTCATCACTACCTGGA[T>TAC]ACATGTCTTCAGAAACATCCATAAGACCAATCTCTGTGATCTTATCACCAGCCTTTTGTG-3'